The following is an entry in ClinVar:

NM_021098.3(CACNA1H):c.3738G>A (p.Ser1246=)

Gene: CACNA1H (calcium voltage-gated channel subunit alpha1 H; plus strand). Cytogenetic location: 16p13.3.
Variant type: single nucleotide variant.
Coding change: c.3738G>A on transcript NM_021098.3 (MANE Select); coding-DNA position 3738, G replaced by A.
Protein change: p.Ser1246=; no amino-acid change (serine 1246 retained).
Molecular consequence: synonymous variant.
Genome position (GRCh38, 1-based): chr16:1,209,406, G>A. VCF-style: chr16-1209406-G-A. GRCh37 (hg19) VCF-style: chr16-1259406-G-A.
Other names: p.Ser1246=; c.3738G>A, p.Ser1246= (NM_001005407.2).
Identifiers: ClinVar variation 460096 (VCV000460096.18), dbSNP rs58812334, ClinGen allele CA7800878.
Genomic context (GRCh38, chr16:1,209,406, plus strand): 5'-CGACTTCTTCCTGCGCATCGACAGCCACCGTGAGGATGCAGCCGAGCTTGACGACGACTC[G>A]GAGGACGTGAGTGCGTGGCCCTGGGCCCACCGCCGACTCGCCTTCGTCTGTCTGGGGCAG-3'
Protein context (NP_066921.2, residues 1236-1256): REDAAELDDD[Ser1246=]EDSCCLRLHK

ClinVar aggregate classification (germline): Benign/Likely benign. Review status: criteria provided, multiple submitters, no conflicts (2 of 4 stars). 6 submissions from 6 submitters: Benign (3); Likely benign (3). Last evaluated 2026-02-03.

Conditions:
Hyperaldosteronism, familial, type IV (HALD4). Also called: FH IV; ALDOSTERONISM, PRIMARY, AND HYPERTENSION. Identifiers: Orphanet 642671, MedGen C4310756, MONDO:0014875, OMIM 617027.
Idiopathic generalized epilepsy. Also called: Generalised epilepsy; EIG. Identifiers: MedGen C0270850, MONDO:0005579, OMIM 600669.
Epilepsy, childhood absence, susceptibility to, 6. Identifiers: Orphanet 64280, MedGen C2749872, MONDO:0012763, OMIM 611942.

Allele frequency attached by ClinVar (database versions not stated): 1000 Genomes Project 0.00779; 1000 Genomes Project 30x 0.00781; gnomAD 0.01143 and 0.01201; gnomAD exomes 0.01146 and 0.01590; ExAC 0.01176; ESP Exome Variant Server 0.01197; TOPMed 0.01260.
gnomAD v4.1: 24,571 of 1,597,486 alleles (1.5%); highest among the groups gnomAD compares: Non-Finnish European, 1.9%; 215 homozygotes.

Submissions (6):

Labcorp Genetics (formerly Invitae), Labcorp
Classification: Benign for Idiopathic generalized epilepsy; Hyperaldosteronism, familial, type IV. Last evaluated: 2026-02-03. Review status: criteria provided, single submitter. Criteria: Invitae Variant Classification Sherloc (09022015). Collection method: clinical testing. Allele origin: germline.

Mayo Clinic Laboratories, Mayo Clinic
Classification: Benign. Last evaluated: 2025-06-22. Review status: criteria provided, single submitter. Criteria: ACMG Guidelines, 2015. Collection method: clinical testing. Allele origin: germline. Observed: 1 variant allele.
Comment: BS1, BS2, BP4, BP7

Blueprint Genetics
Classification: Likely benign. Last evaluated: 2024-11-27. Review status: criteria provided, single submitter. Criteria: ACMG Guidelines, 2015. Collection method: clinical testing. Allele origin: germline.

Fulgent Genetics
Classification: Benign for Epilepsy, childhood absence, susceptibility to, 6; Hyperaldosteronism, familial, type IV. Last evaluated: 2022-04-18. Review status: criteria provided, single submitter. Criteria: ACMG Guidelines, 2015. Collection method: clinical testing. Allele origin: unknown.

GeneDx
Classification: Likely benign. Last evaluated: 2021-02-16. Review status: criteria provided, single submitter. Criteria: GeneDx Variant Classification Process June 2021. Collection method: clinical testing. Allele origin: germline. Affected: yes.

Breakthrough Genomics
Classification: Likely benign. Review status: criteria provided, single submitter. Criteria: ACMG Guidelines, 2015. Collection method: not provided. Allele origin: germline. Inheritance: Autosomal dominant inheritance. Affected: yes.